The following is an entry in ClinVar:

NM_000194.3(HPRT1):c.532+1_532+2del

Gene: HPRT1 (hypoxanthine phosphoribosyltransferase 1; plus strand). Cytogenetic location: Xq26.2.
Variant type: Deletion.
Coding change: c.532+1_532+2del on transcript NM_000194.3 (MANE Select); the canonical splice donor site of the intron after coding-DNA position 532, 2 bases deleted (GT; older notation c.532+1_532+2delGT).
Molecular consequence: splice donor variant.
Genome position (GRCh38, 1-based): chrX:134,498,437-134,498,438, GT deleted; deleting any 2 consecutive bases within chrX:134,498,436-134,498,438 gives the same sequence; the c. name uses the placement nearest the transcript's 3' end. VCF-style (leftmost placement, unchanged base first): chrX-134498435-CTG-C. GRCh37 (hg19) VCF-style: chrX-133632465-CTG-C.
Identifiers: ClinVar variation 1475177 (VCV001475177.7), dbSNP rs2124305218, ClinGen allele CA2573159284.

ClinVar aggregate classification (germline): Likely pathogenic. Review status: criteria provided, multiple submitters, no conflicts (2 of 4 stars). 2 submissions from 2 submitters: Likely pathogenic (2). Last evaluated 2022-04-13.

Conditions:
Partial hypoxanthine-guanine phosphoribosyltransferase deficiency. Also called: GOUT, HPRT-RELATED; HPRT DEFICIENCY, PARTIAL; HYPOXANTHINE GUANINE PHOSPHORIBOSYLTRANSFERASE 1 DEFICIENCY, PARTIAL; HPRT1 DEFICIENCY, PARTIAL; Kelley-Seegmiller Syndrome. Identifiers: Orphanet 79233, MedGen C0268117, MONDO:0010299, OMIM 300323.
Lesch-Nyhan syndrome (LNS). Also called: HPRT DEFICIENCY, COMPLETE; Lesch-Nyhan Disease (LND). Identifiers: Orphanet 510, MedGen C0023374, MONDO:0010298, OMIM 300322.

Submissions (2):

Fulgent Genetics
Classification: Likely pathogenic for Lesch-Nyhan syndrome; Partial hypoxanthine-guanine phosphoribosyltransferase deficiency. Last evaluated: 2022-04-13. Review status: criteria provided, single submitter. Criteria: ACMG Guidelines, 2015. Collection method: clinical testing. Allele origin: unknown.

Labcorp Genetics (formerly Invitae), Labcorp
Classification: Likely pathogenic for Lesch-Nyhan syndrome; Partial hypoxanthine-guanine phosphoribosyltransferase deficiency. Last evaluated: 2021-12-19. Review status: criteria provided, single submitter. Criteria: Invitae Variant Classification Sherloc (09022015). Collection method: clinical testing. Allele origin: germline.
Comment: In summary, the currently available evidence indicates that the variant is pathogenic, but additional data are needed to prove that conclusively. Therefore, this variant has been classified as Likely Pathogenic. Algorithms developed to predict the effect of sequence changes on RNA splicing suggest that this variant may disrupt the consensus splice site. This variant has not been reported in the literature in individuals affected with HPRT1-related conditions. This variant is not present in population databases (gnomAD no frequency). This sequence change affects a splice site in intron 7 of the HPRT1 gene. It is expected to disrupt RNA splicing. Variants that disrupt the donor or acceptor splice site typically lead to a loss of protein function (PMID: 16199547), and loss-of-function variants in HPRT1 are known to be pathogenic (PMID: 15571220, 17027311, 22157001).

Literature cited by the submitters: PubMed 16199547 (cited by Labcorp Genetics (formerly Invitae), Labcorp); PubMed 15571220 (cited by Labcorp Genetics (formerly Invitae), Labcorp); PubMed 17027311 (cited by Labcorp Genetics (formerly Invitae), Labcorp); PubMed 22157001 (cited by Labcorp Genetics (formerly Invitae), Labcorp).